The following is an entry in ClinVar:

ClinVar aggregate classification (germline): Uncertain significance (1 of 4 stars; one submission).

Conditions:
Familial hemophagocytic lymphohistiocytosis 2 (FHL2). Also called: PRF1-Related Familial Hemophagocytic Lymphohistiocytosis (PRF1-fHLH). Identifiers: Orphanet 540, MedGen C1863727, MONDO:0011337, OMIM 603553.

Submission:

Labcorp Genetics (formerly Invitae), Labcorp
Classification: Uncertain significance for Familial hemophagocytic lymphohistiocytosis 2. Last evaluated: 2025-06-06. Review status: criteria provided, single submitter. Criteria: Invitae Variant Classification Sherloc (09022015). Collection method: clinical testing. Allele origin: germline.
Comment: This variant, c.35_46del, results in the deletion of 4 amino acid(s) of the PRF1 protein (p.Leu12_Leu15del), but otherwise preserves the integrity of the reading frame. This variant is not present in population databases (gnomAD no frequency). This variant has been observed in individual(s) with hemophagocytic lymphohistiocytosis (internal data). In at least one individual the data is consistent with being in trans (on the opposite chromosome) from a pathogenic variant. ClinVar contains an entry for this variant (Variation ID: 852902). Experimental studies and prediction algorithms are not available or were not evaluated, and the functional significance of this variant is currently unknown. In summary, the available evidence is currently insufficient to determine the role of this variant in disease. Therefore, it has been classified as a Variant of Uncertain Significance.

NM_001083116.3(PRF1):c.35_46del (p.Leu12_Leu15del)

Gene: PRF1 (perforin 1; minus strand). Cytogenetic location: 10q22.1.
Variant type: Deletion.
Coding change: c.35_46del on transcript NM_001083116.3 (MANE Select); coding-DNA positions 35 to 46, 12 bases deleted (TCCTGCTGCTGC).
Protein change: p.Leu12_Leu15del.
Molecular consequence: inframe deletion.
Genome position (GRCh38, 1-based): chr10:70,600,857-70,600,868, GCAGCAGCAGGA deleted on the plus strand (TCCTGCTGCTGC on the coding strand, the reverse complement: PRF1 is on the minus strand); deleting any 12 consecutive bases within chr10:70,600,857-70,600,869 gives the same sequence; the c. name uses the placement nearest the transcript's 3' end. VCF-style (leftmost placement, unchanged base first): chr10-70600856-GGCAGCAGCAGGA-G. GRCh37 (hg19) VCF-style: chr10-72360612-GGCAGCAGCAGGA-G.
Other names: c.35_46del, p.Leu12_Leu15del (NM_005041.6).
Identifiers: ClinVar variation 852902 (VCV000852902.8), dbSNP rs1848221319, ClinGen allele CA916082334.